The following is an entry in ClinVar:

NM_005751.5(AKAP9):c.9305A>G (p.Asn3102Ser)

Gene: AKAP9 (A-kinase anchoring protein 9; plus strand). Cytogenetic location: 7q21.2.
Variant type: single nucleotide variant.
Coding change: c.9305A>G on transcript NM_005751.5 (MANE Select); coding-DNA position 9305, A replaced by G.
Protein change: p.Asn3102Ser; replaces asparagine 3102 with serine.
Molecular consequence: missense variant.
Genome position (GRCh38, 1-based): chr7:92,089,476, A>G. VCF-style: chr7-92089476-A-G. GRCh37 (hg19) VCF-style: chr7-91718790-A-G.
Other names: c.3950A>G, p.Asn1317Ser (NM_001379277.1); c.9281A>G, p.Asn3094Ser (NM_147185.3); short protein forms N3094S, N1317S, N3102S.
Identifiers: ClinVar variation 2158671 (VCV002158671.4), dbSNP rs758609723, ClinGen allele CA4337708.

ClinVar aggregate classification (germline): Uncertain significance (1 of 4 stars; one submission).

Conditions:
Long QT syndrome (LQTS). Identifiers: MedGen C0023976, MeSH D008133, MONDO:0002442. Disease mechanism: loss of function. Inheritance: Various modes of inheritance.

Allele frequency attached by ClinVar (database versions not stated): TOPMed below 0.00001; gnomAD exomes 0.00001; ExAC 0.00003.
gnomAD v4.1: 13 of 1,613,454 alleles (0.00081%); highest among the groups gnomAD compares: East Asian, 0.016%; no homozygotes.

Submission:

Labcorp Genetics (formerly Invitae), Labcorp
Classification: Uncertain significance for Long QT syndrome. Last evaluated: 2023-02-08. Review status: criteria provided, single submitter. Criteria: Invitae Variant Classification Sherloc (09022015). Collection method: clinical testing. Allele origin: germline.
Comment: This sequence change replaces asparagine, which is neutral and polar, with serine, which is neutral and polar, at codon 3102 of the AKAP9 protein (p.Asn3102Ser). In summary, the available evidence is currently insufficient to determine the role of this variant in disease. Therefore, it has been classified as a Variant of Uncertain Significance. Algorithms developed to predict the effect of missense changes on protein structure and function output the following: SIFT: "Deleterious"; PolyPhen-2: "Benign"; Align-GVGD: "Class C0". The serine amino acid residue is found in multiple mammalian species, which suggests that this missense change does not adversely affect protein function. This variant has not been reported in the literature in individuals affected with AKAP9-related conditions. This variant is present in population databases (rs758609723, gnomAD 0.03%).